The following is an entry in ClinVar:

ClinVar aggregate classification (germline): Conflicting classifications of pathogenicity. Review status: criteria provided, conflicting classifications (1 of 4 stars). 5 submissions from 5 submitters: Likely pathogenic (1); Uncertain significance (4). Last evaluated 2025-02-12.

Conditions:
Primary ciliary dyskinesia. Also called: Ciliary dyskinesia. Identifiers: Orphanet 244, MedGen C0008780, MONDO:0016575, HP:0012265.
Primary ciliary dyskinesia 7. Also called: CILIARY DYSKINESIA, PRIMARY, 7, WITH OR WITHOUT SITUS INVERSUS. Identifiers: Orphanet 244, MedGen C2678473, MONDO:0012748, OMIM 611884.

Allele frequency attached by ClinVar (database versions not stated): gnomAD 0.00001; TOPMed 0.00002.
gnomAD v4.1: 7 of 1,566,648 alleles (0.00045%); highest among the groups gnomAD compares: South Asian, 0.0037%; no homozygotes.

Submissions (5):

Broad Center for Mendelian Genomics, Broad Institute of MIT and Harvard
Classification: Uncertain significance for Primary ciliary dyskinesia 7. Last evaluated: 2025-02-12. Review status: criteria provided, single submitter. Criteria: ACMG Guidelines, 2015. Collection method: curation. Allele origin: germline. Inheritance: Autosomal recessive inheritance.
Comment: The p.Arg989Gln variant in DNAH11 has been reported in 2 individuals with primary ciliary dyskinesia (PMID: 31607746, 38562900) and has been identified in 0.004% (3/82028) of South Asian chromosomes by the Genome Aggregation Database (gnomAD; dbSNP ID: rs1178187217). Although this variant has been seen in the general population in a heterozygous state, its frequency is low enough to be consistent with a recessive carrier frequency. This variant has also been reported in ClinVar (Variation ID: 453287) and has been interpreted as pathogenic by Undiagnosed Diseases Network (NIH) and as a variant of uncertain of significance by Invitae and Institute Of Molecular Biology And Genetics (Federal Almazov National Medical Research Centre). Of the 2 affected individuals, 1 was a compound heterozygotes that carried a reported pathogenic variant in trans which increases the likelihood that the p.Arg989Gln variant is pathogenic (Variation ID: 289324, PMID: 31607746). Computational prediction tools and conservation analyses do not provide strong support for or against an impact to the protein. In summary, the clinical significance of the p.Arg989Gln variant is uncertain. ACMG/AMP Criteria applied: PM3, PM2_supporting (Richards 2015).

Labcorp Genetics (formerly Invitae), Labcorp
Classification: Uncertain significance for Primary ciliary dyskinesia. Last evaluated: 2024-12-12. Review status: criteria provided, single submitter. Criteria: Invitae Variant Classification Sherloc (09022015). Collection method: clinical testing. Allele origin: germline.
Comment: This sequence change replaces arginine, which is basic and polar, with glutamine, which is neutral and polar, at codon 989 of the DNAH11 protein (p.Arg989Gln). This variant is present in population databases (no rsID available, gnomAD 0.0008%). This missense change has been observed in individual(s) with clinical features of primary ciliary dyskinesia (PMID: 31607746). In at least one individual the data is consistent with being in trans (on the opposite chromosome) from a pathogenic variant. ClinVar contains an entry for this variant (Variation ID: 453287). Invitae Evidence Modeling of protein sequence and biophysical properties (such as structural, functional, and spatial information, amino acid conservation, physicochemical variation, residue mobility, and thermodynamic stability) indicates that this missense variant is not expected to disrupt DNAH11 protein function with a negative predictive value of 95%. In summary, the available evidence is currently insufficient to determine the role of this variant in disease. Therefore, it has been classified as a Variant of Uncertain Significance.

Women's Health and Genetics/Laboratory Corporation of America, LabCorp
Classification: Uncertain significance. Last evaluated: 2024-09-18. Review status: criteria provided, single submitter. Criteria: LabCorp Variant Classification Summary - May 2015. Collection method: clinical testing. Allele origin: germline.
Comment: Variant summary: DNAH11 c.2966G>A (p.Arg989Gln) results in a conservative amino acid change in the encoded protein sequence. Three of five in-silico tools predict a damaging effect of the variant on protein function. The variant allele was found at a frequency of 4.5e-06 in 1566648 control chromosomes. The available data on variant occurrences in the general population are insufficient to allow any conclusion about variant significance. c.2966G>A has been reported in the literature in at least one compound heterozygous individual affected with clinical features of Primary Ciliary Dyskinesia 7 (e.g., Lee_2020). However, these data do not allow any conclusion about variant significance. To our knowledge, no experimental evidence demonstrating an impact on protein function has been reported. The following publication has been ascertained in the context of this evaluation (PMID: 31607746). ClinVar contains an entry for this variant (Variation ID: 453287). Based on the evidence outlined above, the variant was classified as uncertain significance.

Institute Of Molecular Biology And Genetics, Federal Almazov National Medical Research Centre
Classification: Uncertain significance for Primary ciliary dyskinesia. Last evaluated: 2023-12-11. Review status: criteria provided, single submitter. Criteria: ACMG Guidelines, 2015. Collection method: clinical testing. Allele origin: maternal. Affected: yes. Observed: 1 variant allele.
Comment: This sequence change replaces arginine (basic and polar) with glutamine (charge-neutral and polar) at codon 989 of the DNAH11 protein (p.Arg989Gln). The variant c.2966G>A has a low allele frequency in gnomAD Genomes (Version 3.1.2: ƒ = 0.000013). Particular in silico pathogenicity prediction tools (MetaRNN, MutPred, DANN, EIGEN PC, Mutation assessor, etc) predicted the c.2966G>A to be likely deleterious. ClinVar contains an entry for this variant (records with likely pathogenic and VUS interpretations (variation ID 453287)). In summary, the available evidence is currently insufficient to determine the role of this variant in disease. Therefore, it has been classified as a Variant of Uncertain Significance.

Undiagnosed Diseases Network, NIH
Classification: Likely pathogenic for Primary ciliary dyskinesia 7. Last evaluated: 2019-07-30. Review status: criteria provided, single submitter. Criteria: ACMG Guidelines, 2015. Collection method: clinical testing. Allele origin: paternal. Inheritance: Autosomal recessive inheritance. Affected: yes. Observed: 1 compound heterozygote.
Comment: We sent a nasal biopsy for ciliary beat frequency analysis and the results came back inconclusive, but the beating pattern was analogous to other DNAH11 mutation beating patterns.

Literature cited by the submitters: PubMed 31607746 (cited by Labcorp Genetics (formerly Invitae), Labcorp and Women's Health and Genetics/Laboratory Corporation of America, LabCorp).

NM_001277115.2(DNAH11):c.2966G>A (p.Arg989Gln)

Genes: DNAH11 (dynein axonemal heavy chain 11; plus strand), LOC126859961 (BRD4-independent group 4 enhancer GRCh37_chr7:21639662-21640861; plus strand). Cytogenetic location: 7p15.3.
Variant type: single nucleotide variant.
Coding change: c.2966G>A on transcript NM_001277115.2 (MANE Select); coding-DNA position 2966, G replaced by A.
Protein change: p.Arg989Gln; replaces arginine 989 with glutamine.
Molecular consequence: missense variant.
Genome position (GRCh38, 1-based): chr7:21,600,085, G>A. VCF-style: chr7-21600085-G-A. GRCh37 (hg19) VCF-style: chr7-21639703-G-A.
Other names: NM_001277115.2(DNAH11):c.2966G>A; p.Arg989Gln; short protein forms R989Q.
Identifiers: ClinVar variation 453287 (VCV000453287.13), dbSNP rs1178187217, ClinGen allele CA366944802.